The following is an entry in ClinVar:

ClinVar aggregate classification (germline): Pathogenic (1 of 4 stars; one submission).

Conditions:
Dyskeratosis congenita, autosomal dominant 2. Identifiers: MedGen C3151443, MONDO:0013521, OMIM 613989.
Idiopathic Pulmonary Fibrosis. Also called: Idiopathic fibrosing alveolitis, chronic form; idiopathic fibrosing alveolitis. Identifiers: Orphanet 2032, MedGen C1800706, MeSH D054990, MONDO:0800504.

Submission:

Labcorp Genetics (formerly Invitae), Labcorp
Classification: Pathogenic for Dyskeratosis congenita, autosomal dominant 2; Idiopathic Pulmonary Fibrosis. Last evaluated: 2022-07-05. Review status: criteria provided, single submitter. Criteria: Invitae Variant Classification Sherloc (09022015). Collection method: clinical testing. Allele origin: germline.
Comment: The frequency data for this variant in the population databases is considered unreliable, as metrics indicate poor data quality at this position in the gnomAD database. This sequence change creates a premature translational stop signal (p.Ala67Argfs*125) in the TERT gene. It is expected to result in an absent or disrupted protein product. Loss-of-function variants in TERT are known to be pathogenic (PMID: 16247010, 17460043). This variant has not been reported in the literature in individuals affected with TERT-related conditions. For these reasons, this variant has been classified as Pathogenic. ClinVar contains an entry for this variant (Variation ID: 1070657).

Literature cited by the submitters: PubMed 16247010; PubMed 17460043.

NM_198253.3(TERT):c.198dup (p.Ala67fs)

Genes: TERT (telomerase reverse transcriptase; minus strand), LOC110806263 (TERT 5' regulatory region; plus strand). Cytogenetic location: 5p15.33.
Variant type: Duplication.
Coding change: c.198dup on transcript NM_198253.3 (MANE Select); coding-DNA position 198, one base duplicated (C; older notation c.198dupC).
Protein change: p.Ala67fs; shifts the reading frame from alanine 67.
Molecular consequence: frameshift variant. On other transcripts: non-coding transcript variant (2).
Genome position (GRCh38, 1-based): chr5:1,294,792, G duplicated on the plus strand (C on the coding strand, the reverse complement: TERT is on the minus strand); the first of 6 consecutive G bases (chr5:1,294,792-1,294,797); duplicating any one gives the same sequence. VCF-style (leftmost placement, unchanged base first): chr5-1294791-C-CG. GRCh37 (hg19) VCF-style: chr5-1294906-C-CG.
Other names: c.198dup, p.Ala67fs (NM_001193376.3); short protein forms A67fs.
Identifiers: ClinVar variation 1070657 (VCV001070657.7), dbSNP rs2126691416, ClinGen allele CA557858666.
Genomic context (GRCh38, chr5:1,294,791, plus strand): 5'-CCCTCAACCCCAGCCGGACGCCGACCCCGGGGAGGCCCACCTGGCGGAAGGAGGGGGCGG[C>CG]GGGGGGCGGCCGTGCGTCCCAGGGCACGCACACCAGGCACTGGGCCACCAGCGCGCGGAA-3'